The following is an entry in ClinVar:

ClinVar aggregate classification (germline): Pathogenic (1 of 4 stars; one submission).

Conditions:
LAMB2-related infantile-onset nephrotic syndrome. Also called: NEPHROTIC SYNDROME, TYPE 5, WITHOUT OCULAR ABNORMALITIES; NEPHROTIC SYNDROME, TYPE 5, WITH OCULAR ABNORMALITIES; Nephrotic Syndrome, type 5. Identifiers: Orphanet 306507, MedGen C3280113, MONDO:0013621, OMIM 614199.
Pierson syndrome. Also called: MICROCORIA-CONGENITAL NEPHROTIC SYNDROME. Identifiers: Orphanet 2670, MedGen C1836876, MONDO:0012184, OMIM 609049.

Submission:

Labcorp Genetics (formerly Invitae), Labcorp
Classification: Pathogenic for LAMB2-related infantile-onset nephrotic syndrome; Pierson syndrome. Last evaluated: 2023-10-25. Review status: criteria provided, single submitter. Criteria: Invitae Variant Classification Sherloc (09022015). Collection method: clinical testing. Allele origin: germline.
Comment: This sequence change creates a premature translational stop signal (p.Lys1603Glyfs*28) in the LAMB2 gene. It is expected to result in an absent or disrupted protein product. Loss-of-function variants in LAMB2 are known to be pathogenic (PMID: 15367484). This variant is present in population databases (no rsID available, gnomAD 0.0009%). This variant has not been reported in the literature in individuals affected with LAMB2-related conditions. ClinVar contains an entry for this variant (Variation ID: 2116167). For these reasons, this variant has been classified as Pathogenic.

Literature cited by the submitters: PubMed 15367484.

NM_002292.4(LAMB2):c.4806_4807del (p.Lys1603fs)

Gene: LAMB2 (laminin subunit beta 2; minus strand). Cytogenetic location: 3p21.31.
Variant type: Deletion.
Coding change: c.4806_4807del on transcript NM_002292.4 (MANE Select); coding-DNA positions 4806 to 4807, 2 bases deleted (GA; older notation c.4806_4807delGA).
Protein change: p.Lys1603fs; shifts the reading frame from lysine 1603.
Molecular consequence: frameshift variant.
Genome position (GRCh38, 1-based): chr3:49,122,060-49,122,061, TC deleted on the plus strand (GA on the coding strand, the reverse complement: LAMB2 is on the minus strand); deleting any 2 consecutive bases within chr3:49,122,060-49,122,062 gives the same sequence; the c. name uses the placement nearest the transcript's 3' end. VCF-style (leftmost placement, unchanged base first): chr3-49122059-TTC-T. GRCh37 (hg19) VCF-style: chr3-49159492-TTC-T.
Other names: short protein forms K1603fs.
Identifiers: ClinVar variation 2116167 (VCV002116167.4), dbSNP rs1560066873, ClinGen allele CA543048546.